The following is an entry in ClinVar:

NM_003839.4(TNFRSF11A):c.1416C>T (p.Cys472=)

Gene: TNFRSF11A (TNF receptor superfamily member 11a; plus strand). Cytogenetic location: 18q21.33.
Variant type: single nucleotide variant.
Coding change: c.1416C>T on transcript NM_003839.4 (MANE Select); coding-DNA position 1416, C replaced by T.
Protein change: p.Cys472=; no amino-acid change (cysteine 472 retained).
Molecular consequence: synonymous variant. On other transcripts: intron variant (3).
Genome position (GRCh38, 1-based): chr18:62,369,333, C>T. VCF-style: chr18-62369333-C-T. GRCh37 (hg19) VCF-style: chr18-60036566-C-T.
Other names: c.1374C>T, p.Cys458= (NM_001278268.2); c.783+2573C>T (NM_001270949.2); c.730+7540C>T (NM_001270950.2); c.616+9284C>T (NM_001270951.2); c.1416C>T (NM_003839.3).
Identifiers: ClinVar variation 199088 (VCV000199088.14), dbSNP rs771249524, ClinGen allele CA248087.

ClinVar aggregate classification (germline): Conflicting classifications of pathogenicity. Review status: criteria provided, conflicting classifications (1 of 4 stars). 3 submissions from 3 submitters: Uncertain significance (1); Likely benign (1). 1 of the submissions does not count toward it. Last evaluated 2026-01-19.

Conditions:
TNFRSF11A-related disorder. Also called: TNFRSF11A-related condition.

Allele frequency attached by ClinVar (database versions not stated): gnomAD 0.00005 and 0.00006; TOPMed 0.00006; ExAC 0.00007.
gnomAD v4.1: 130 of 1,609,286 alleles (0.0081%); highest among the groups gnomAD compares: South Asian, 0.036%; no homozygotes.

Submissions (3):

Labcorp Genetics (formerly Invitae), Labcorp
Classification: Likely benign. Last evaluated: 2026-01-19. Review status: criteria provided, single submitter. Criteria: Invitae Variant Classification Sherloc (09022015). Collection method: clinical testing. Allele origin: germline.

Eurofins Ntd Llc (ga)
Classification: Uncertain significance. Last evaluated: 2015-03-12. Review status: criteria provided, single submitter. Criteria: EGL Classification Definitions 2015. Collection method: clinical testing. Allele origin: germline. Observed: 1 variant allele, 1 heterozygote.

PreventionGenetics, part of Exact Sciences
Classification: Likely benign for TNFRSF11A-related condition. Last evaluated: 2019-09-05. Review status: no assertion criteria provided. Collection method: clinical testing. Allele origin: germline. Not counted in ClinVar's aggregate classification.
Comment: This variant is classified as likely benign based on ACMG/AMP sequence variant interpretation guidelines (Richards et al. 2015 PMID: 25741868, with internal and published modifications).